The following is an entry in ClinVar:

NM_002473.6(MYH9):c.279C>G (p.Asn93Lys)

Gene: MYH9 (myosin heavy chain 9; minus strand). Cytogenetic location: 22q12.3.
Variant type: single nucleotide variant.
Coding change: c.279C>G on transcript NM_002473.6 (MANE Select); coding-DNA position 279, C replaced by G.
Protein change: p.Asn93Lys; replaces asparagine 93 with lysine.
Molecular consequence: missense variant.
Genome position (GRCh38, 1-based): chr22:36,348,958, G>C on the plus strand (C>G on the coding strand, the complement: MYH9 is on the minus strand). VCF-style: chr22-36348958-G-C. GRCh37 (hg19) VCF-style: chr22-36745003-G-C.
Other names: short protein forms N93K.
Identifiers: ClinVar variation 14075 (VCV000014075.8), dbSNP rs121913655, ClinGen allele CA257089.
Genomic context (GRCh38, chr22:36,348,958, plus strand): 5'-ACTTACGTAGATGAGCCCTGAGTAGTAACGCTCCTTGAGGTTGTGCAGCACCGAGGCTTC[G>C]TTGAGGCACGTGAGCTCTGCCATGTCCTCCACCTTGGAGAACTTGGGCGGGTTCATCTTC-3'
Protein context (NP_002464.1, residues 83-103): VEDMAELTCL[Asn93Lys]EASVLHNLKE

ClinVar aggregate classification (germline): Pathogenic/Likely pathogenic. Review status: criteria provided, multiple submitters, no conflicts (2 of 4 stars). 5 submissions from 5 submitters: Pathogenic (2); Likely pathogenic (1). 2 of the submissions do not count toward it. Last evaluated 2025-02-07.

Conditions:
MYH9-related disorder. Identifiers: MedGen C1854520.
Macrothrombocytopenia and granulocyte inclusions with or without nephritis or sensorineural hearing loss (MATINS). Also called: BLEEDING DISORDER, PLATELET-TYPE, 6; MAY-HEGGLIN ANOMALY; SEBASTIAN PLATELET SYNDROME; MACROTHROMBOCYTOPENIA WITH DISPERSED LEUKOCYTIC INCLUSIONS; MACROTHROMBOCYTOPENIA, NEPHRITIS, AND DEAFNESS; MACROTHROMBOCYTOPENIA, NEPHRITIS, DEAFNESS, AND LEUKOCYTE INCLUSIONS. Identifiers: Orphanet 182050, MedGen C5200934, MONDO:0015912, OMIM 155100.

Submissions (5):

GeneDx
Classification: Likely pathogenic. Last evaluated: 2025-02-07. Review status: criteria provided, single submitter. Criteria: GeneDx Variant Classification Process June 2021. Collection method: clinical testing. Allele origin: germline. Affected: yes.
Comment: Published functional studies demonstrate an association with decreased MTPase activity and no detectable actin filament motility (PMID: 12237319); Not observed at significant frequency in large population cohorts (gnomAD); In silico analysis supports that this missense variant has a deleterious effect on protein structure/function; This variant is associated with the following publications: (PMID: 30916803, 11776386, 25077172, 20543839, 25349260, 26960797, 37650166, 36507135, 30785846, 37733142, 12533692, 20174760, 31399564, 15845534, 12237319, 24186861, 31562665, 10973259)

NIHR Bioresource Rare Diseases, University of Cambridge
Classification: Pathogenic for MYH9-related disorder. Last evaluated: 2018-12-12. Review status: criteria provided, single submitter. Criteria: ACMG Guidelines, 2015. Collection method: research. Allele origin: unknown. Inheritance: Autosomal dominant inheritance. Affected: yes. Observed: 1 heterozygote.
Comment: PS4, PS3, PM1, PM2, PP4, PP3

ISTH-SSC Genomics in Thrombosis and Hemostasis, KU Leuven, Center for Molecular and Vascular Biology
Classification: Pathogenic for Macrothrombocytopenia and granulocyte inclusions with or without nephritis or sensorineural hearing loss. Review status: criteria provided, single submitter. Criteria: ACMG Guidelines, 2015. Collection method: clinical testing. Allele origin: germline. Affected: yes. Observed: 1 heterozygote.
Comment: Submitted to GoldVariant by Jose María Bastida and José Rivera; Grupo Español de Alteraciones Plaquetarias Congénitas (GEAPC)

OMIM
Classification: Pathogenic for MACROTHROMBOCYTOPENIA AND GRANULOCYTE INCLUSIONS. Last evaluated: 2000-09-01. Review status: no assertion criteria provided. Collection method: literature only. Allele origin: germline. Not counted in ClinVar's aggregate classification.

GeneReviews
No classification provided. Condition: Macrothrombocytopenia and granulocyte inclusions with or without nephritis or sensorineural hearing loss. Review status: no classification provided. Collection method: literature only. Allele origin: germline. Not counted in ClinVar's aggregate classification.

Literature cited by the submitters: PubMed 12237319 (cited by ISTH-SSC Genomics in Thrombosis and Hemostasis, KU Leuven, Center for Molecular and Vascular Biology); PubMed 10973259 (cited by OMIM); NCBI Bookshelf NBK2689 (cited by GeneReviews).